The following is an entry in ClinVar:

ClinVar aggregate classification (germline): Uncertain significance (1 of 4 stars; one submission).

gnomAD v4.1: 2 of 1,610,190 alleles (0.00012%); highest among the groups gnomAD compares: South Asian, 0.0011%; no homozygotes.

Submission:

Labcorp Genetics (formerly Invitae), Labcorp
Classification: Uncertain significance. Last evaluated: 2025-01-22. Review status: criteria provided, single submitter. Criteria: Invitae Variant Classification Sherloc (09022015). Collection method: clinical testing. Allele origin: germline.
Comment: This sequence change replaces tyrosine, which is neutral and polar, with cysteine, which is neutral and slightly polar, at codon 780 of the PLEKHM2 protein (p.Tyr780Cys). The frequency data for this variant in the population databases is considered unreliable, as metrics indicate poor data quality at this position in the gnomAD database. This variant has not been reported in the literature in individuals affected with PLEKHM2-related conditions. An algorithm developed to predict the effect of missense changes on protein structure and function (PolyPhen-2) suggests that this variant is likely to be disruptive. In summary, the available evidence is currently insufficient to determine the role of this variant in disease. Therefore, it has been classified as a Variant of Uncertain Significance.

NM_015164.4(PLEKHM2):c.2339A>G (p.Tyr780Cys)

Gene: PLEKHM2 (pleckstrin homology and RUN domain containing M2; plus strand). Cytogenetic location: 1p36.21.
Variant type: single nucleotide variant.
Coding change: c.2339A>G on transcript NM_015164.4 (MANE Select); coding-DNA position 2339, A replaced by G.
Protein change: p.Tyr780Cys; replaces tyrosine 780 with cysteine.
Molecular consequence: missense variant.
Genome position (GRCh38, 1-based): chr1:15,730,662, A>G. VCF-style: chr1-15730662-A-G. GRCh37 (hg19) VCF-style: chr1-16057157-A-G.
Other names: c.2279A>G, p.Tyr760Cys (NM_001410755.1); short protein forms Y760C, Y780C.
Identifiers: ClinVar variation 3642111 (VCV003642111.2).